The following is an entry in ClinVar:

NM_144596.4(TTC8):c.1186G>A (p.Ala396Thr)

Gene: TTC8 (tetratricopeptide repeat domain 8; plus strand). Cytogenetic location: 14q31.3.
Variant type: single nucleotide variant.
Coding change: c.1186G>A on transcript NM_144596.4 (MANE Select); coding-DNA position 1186, G replaced by A.
Protein change: p.Ala396Thr; replaces alanine 396 with threonine.
Molecular consequence: missense variant. On other transcripts: non-coding transcript variant (1).
Genome position (GRCh38, 1-based): chr14:88,871,685, G>A. VCF-style: chr14-88871685-G-A. GRCh37 (hg19) VCF-style: chr14-89338029-G-A.
Other names: c.1234G>A, p.Ala412Thr (NM_001288781.1); c.592G>A, p.Ala198Thr (NM_001288782.1); c.469G>A, p.Ala157Thr (NM_001288783.1); c.1156G>A, p.Ala386Thr (NM_001366535.2, NM_198309.3); c.1066G>A, p.Ala356Thr (NM_001366536.2, NM_198310.3); c.1156G>A (NM_198309.2); short protein forms A157T, A198T, A356T, A386T, A396T, A412T.
Identifiers: ClinVar variation 3351714 (VCV003351714.2).

ClinVar aggregate classification (germline): Uncertain significance. Review status: criteria provided, single submitter (1 of 4 stars). 2 submissions from 2 submitters: Uncertain significance (1). 1 of the submissions does not count toward it. Last evaluated 2025-08-03.

Conditions:
TTC8-related disorder. Also called: TTC8-related condition.
Inborn genetic diseases. Identifiers: MedGen C0950123, MeSH D030342.

gnomAD v4.1: 6 of 1,613,952 alleles (0.00037%); highest among the groups gnomAD compares: African/African-American, 0.0013%; no homozygotes.

Submissions (2):

Ambry Genetics
Classification: Uncertain significance for Inborn genetic diseases. Last evaluated: 2025-08-03. Review status: criteria provided, single submitter. Criteria: Ambry Variant Classification Scheme 2023. Collection method: clinical testing. Allele origin: germline.

PreventionGenetics, part of Exact Sciences
Classification: Uncertain significance for TTC8-related condition. Last evaluated: 2024-09-05. Review status: no assertion criteria provided. Collection method: clinical testing. Allele origin: germline. Not counted in ClinVar's aggregate classification.
Comment: The TTC8 c.1186G>A variant is predicted to result in the amino acid substitution p.Ala396Thr. To our knowledge, this variant has not been reported in the literature. This variant is reported in 0.0062% of alleles in individuals of African descent in gnomAD. At this time, the clinical significance of this variant is uncertain due to the absence of conclusive functional and genetic evidence.